The following is an entry in ClinVar:

ClinVar aggregate classification (germline): Uncertain significance (1 of 4 stars; one submission).

Submission:

Ambry Genetics
Classification: Uncertain significance. Last evaluated: 2025-01-06. Review status: criteria provided, single submitter. Criteria: Ambry Variant Classification Scheme 2023. Collection method: clinical testing. Allele origin: germline.
Comment: The p.R1311S variant (also known as c.3933A>T), located in coding exon 8 of the MLH3 gene, results from an A to T substitution at nucleotide position 3933. The arginine at codon 1311 is replaced by serine, an amino acid with dissimilar properties. This amino acid position is conserved. In addition, the in silico prediction for this alteration is inconclusive. Since supporting evidence is limited at this time, the clinical significance of this alteration remains unclear.

NM_001040108.2(MLH3):c.3933A>T (p.Arg1311Ser)

Gene: MLH3 (mutL homolog 3; minus strand). Cytogenetic location: 14q24.3.
Variant type: single nucleotide variant.
Coding change: c.3933A>T on transcript NM_001040108.2 (MANE Select); coding-DNA position 3933, A replaced by T.
Protein change: p.Arg1311Ser; replaces arginine 1311 with serine.
Molecular consequence: missense variant.
Genome position (GRCh38, 1-based): chr14:75,030,597, T>A on the plus strand (A>T on the coding strand, the complement: MLH3 is on the minus strand). VCF-style: chr14-75030597-T-A. GRCh37 (hg19) VCF-style: chr14-75497300-T-A.
Other names: c.3861A>T, p.Arg1287Ser (NM_014381.3); short protein forms R1287S, R1311S.
Identifiers: ClinVar variation 1736283 (VCV001736283.3), dbSNP rs1890982743, ClinGen allele CA390422660.